The following is an entry in ClinVar:

ClinVar aggregate classification (germline): Likely benign. Review status: criteria provided, multiple submitters, no conflicts (2 of 4 stars). 5 submissions from 5 submitters: Likely benign (5). Last evaluated 2026-09-01.

Conditions:
FMN2-related disorder. Also called: FMN2-related condition.

Allele frequency attached by ClinVar (database versions not stated): gnomAD exomes 0.00081.

Submissions (5):

CeGaT Center for Human Genetics Tuebingen
Classification: Likely benign. Last evaluated: 2026-09-01. Review status: criteria provided, single submitter. Criteria: CeGaT Center For Human Genetics Tuebingen Variant Classification Criteria Version 2. Collection method: clinical testing. Allele origin: germline. Affected: yes. Observed: 34 variant alleles.
Comment: FMN2: BP4, BP7

Blueprint Genetics
Classification: Likely benign. Last evaluated: 2024-09-24. Review status: criteria provided, single submitter. Criteria: ACMG Guidelines, 2015. Collection method: clinical testing. Allele origin: germline.

PreventionGenetics, part of Exact Sciences
Classification: Likely benign for FMN2-related condition. Last evaluated: 2020-05-13. Review status: criteria provided, single submitter. Criteria: ACMG Guidelines, 2015. Collection method: clinical testing. Allele origin: germline.
Comment: This variant is classified as likely benign based on ACMG/AMP sequence variant interpretation guidelines (Richards et al. 2015 PMID: 25741868, with internal and published modifications).

Genetic Services Laboratory, University of Chicago
Classification: Likely benign. Last evaluated: 2015-09-18. Review status: criteria provided, single submitter. Criteria: ACMG Guidelines, 2015. Collection method: clinical testing. Allele origin: germline. Affected: no.

Breakthrough Genomics
Classification: Likely benign. Review status: criteria provided, single submitter. Criteria: ACMG Guidelines, 2015. Collection method: not provided. Allele origin: germline. Inheritance: Autosomal recessive inheritance. Affected: yes.

NM_020066.5(FMN2):c.3174T>A (p.Leu1058=)

Gene: FMN2 (formin 2; plus strand). Cytogenetic location: 1q43.
Variant type: single nucleotide variant.
Coding change: c.3174T>A on transcript NM_020066.5 (MANE Select); coding-DNA position 3174, T replaced by A.
Protein change: p.Leu1058=; no amino-acid change (leucine 1058 retained).
Molecular consequence: synonymous variant. On other transcripts: intron variant (1).
Genome position (GRCh38, 1-based): chr1:240,207,986, T>A. VCF-style: chr1-240207986-T-A. GRCh37 (hg19) VCF-style: chr1-240371286-T-A.
Other names: c.3186T>A, p.Leu1062= (NM_001305424.2); c.1986+19724T>A (NM_001348094.2).
Identifiers: ClinVar variation 435229 (VCV000435229.33), dbSNP rs200287374, ClinGen allele CA1477018.
Genomic context (GRCh38, chr1:240,207,986, plus strand): 5'-AGCGGGCATACCCCCTCCGCCCCCACTTCCCGGAGCGGGCATACCCCCTCCTCCCCCTCT[T>A]CCCGGAGCGGGCATACCTCCTCCACCCCCTCTACCCGGAGCGGGCATACCCCCTCCGCCC-3'
Protein context (NP_064450.3, residues 1048-1068): PGAGIPPPPP[Leu1058=]PGAGIPPPPP